The following is an entry in ClinVar:

ClinVar aggregate classification (germline): Uncertain significance. Review status: criteria provided, multiple submitters, no conflicts (2 of 4 stars). 2 submissions from 2 submitters: Uncertain significance (2). Last evaluated 2025-09-13.

Conditions:
Leukoencephalopathy, diffuse hereditary, with spheroids 1 (HDLS1). Also called: DEMENTIA, FAMILIAL, NEUMANN TYPE; SUBCORTICAL GLIOSIS OF NEUMANN; CSF1R-related adult-onset leukoencephalopathy with axonal spheroids and pigmented glia. Identifiers: Orphanet 313808, MedGen C5561929, MONDO:0800027, OMIM 221820.

Allele frequency attached by ClinVar (database versions not stated): gnomAD exomes 0.00001.
gnomAD v4.1: 11 of 1,614,088 alleles (0.00068%); highest among the groups gnomAD compares: South Asian, 0.0066%; no homozygotes.

Submissions (2):

Labcorp Genetics (formerly Invitae), Labcorp
Classification: Uncertain significance. Last evaluated: 2025-09-13. Review status: criteria provided, single submitter. Criteria: Invitae Variant Classification Sherloc (09022015). Collection method: clinical testing. Allele origin: germline.
Comment: This sequence change replaces threonine, which is neutral and polar, with alanine, which is neutral and non-polar, at codon 467 of the CSF1R protein (p.Thr467Ala). This variant is present in population databases (no rsID available, gnomAD 0.003%). This variant has not been reported in the literature in individuals affected with CSF1R-related conditions. ClinVar contains an entry for this variant (Variation ID: 1394722). Invitae Evidence Modeling of protein sequence and biophysical properties (such as structural, functional, and spatial information, amino acid conservation, physicochemical variation, residue mobility, and thermodynamic stability) indicates that this missense variant is not expected to disrupt CSF1R protein function with a negative predictive value of 95%. In summary, the available evidence is currently insufficient to determine the role of this variant in disease. Therefore, it has been classified as a Variant of Uncertain Significance.

Neuberg Centre For Genomic Medicine, NCGM
Classification: Uncertain significance for Leukoencephalopathy, diffuse hereditary, with spheroids 1. Review status: criteria provided, single submitter. Criteria: ACMG Guidelines, 2015. Collection method: clinical testing. Allele origin: germline. Inheritance: Autosomal dominant inheritance. Affected: yes.
Comment: The missense c.1399A>G p.Thr467Ala variant in CSF1R gene has not been reported previously as a pathogenic variant nor as a benign variant, to our knowledge. The p.Thr467Ala variant has allele frequency 0.0009% in gnomAD Exomes and is novel not in any individuals in 1000 Genomes. This variant has been reported to the ClinVar database as Uncertain Significance. The amino acid change p.Thr467Ala in CSF1R is predicted as conserved by GERP++ and PhyloP across 100 vertebrates. The amino acid Thr at position 467 is changed to a Ala changing protein sequence and it might alter its composition and physico-chemical properties. For these reasons, this variant has been classified as Variant of Uncertain Significance VUS.

NM_001288705.3(CSF1R):c.1399A>G (p.Thr467Ala)

Gene: CSF1R (colony stimulating factor 1 receptor; minus strand). Cytogenetic location: 5q32.
Variant type: single nucleotide variant.
Coding change: c.1399A>G on transcript NM_001288705.3 (MANE Select); coding-DNA position 1399, A replaced by G.
Protein change: p.Thr467Ala; replaces threonine 467 with alanine.
Molecular consequence: missense variant. On other transcripts: non-coding transcript variant (2).
Genome position (GRCh38, 1-based): chr5:150,069,984, T>C on the plus strand (A>G on the coding strand, the complement: CSF1R is on the minus strand). VCF-style: chr5-150069984-T-C. GRCh37 (hg19) VCF-style: chr5-149449547-T-C.
Other names: c.1399A>G, p.Thr467Ala (NM_001349736.2, NM_001375320.1, NM_005211.4); c.955A>G, p.Thr319Ala (NM_001375321.1); short protein forms T467A, T319A.
Identifiers: ClinVar variation 1394722 (VCV001394722.10), dbSNP rs1215536080, ClinGen allele CA361720446.